The following is an entry in ClinVar:

NM_006493.4(CLN5):c.-84C>A

Gene: CLN5 (CLN5 lysosomal BMP synthase; plus strand). Cytogenetic location: 13q22.3.
Variant type: single nucleotide variant.
Coding change: c.-84C>A on transcript NM_006493.4 (MANE Select); 84 bases upstream of the start codon, C replaced by A.
Genome position (GRCh38, 1-based): chr13:76,992,015, C>A. VCF-style: chr13-76992015-C-A. GRCh37 (hg19) VCF-style: chr13-77566150-C-A.
Identifiers: ClinVar variation 643424 (VCV000643424.9), dbSNP rs558597827, ClinGen allele CA252175586.

ClinVar aggregate classification (germline): Uncertain significance. Review status: criteria provided, multiple submitters, no conflicts (2 of 4 stars). 3 submissions from 3 submitters: Uncertain significance (2). 1 of the submissions does not count toward it. Last evaluated 2023-10-24.

Conditions:
Neuronal ceroid lipofuscinosis. Also called: Neuronal Ceroid Lipofuscinoses. Identifiers: Orphanet 216, Orphanet 79263, MedGen C0027877, MONDO:0016295. Disease mechanism: loss of function.
Inborn genetic diseases. Identifiers: MedGen C0950123, MeSH D030342.

Allele frequency attached by ClinVar (database versions not stated): gnomAD exomes 0.00001; gnomAD 0.00002 and 0.00003; 1000 Genomes Project 30x 0.00016; 1000 Genomes Project 0.00020.

Submissions (3):

Ambry Genetics
Classification: Uncertain significance for Inborn genetic diseases. Last evaluated: 2023-10-24. Review status: criteria provided, single submitter. Criteria: Ambry Variant Classification Scheme 2023. Collection method: clinical testing. Allele origin: germline.

Labcorp Genetics (formerly Invitae), Labcorp
Classification: Uncertain significance for Neuronal ceroid lipofuscinosis. Last evaluated: 2022-07-29. Review status: criteria provided, single submitter. Criteria: Invitae Variant Classification Sherloc (09022015). Collection method: clinical testing. Allele origin: germline.
Comment: This sequence change replaces arginine, which is basic and polar, with serine, which is neutral and polar, at codon 22 of the CLN5 protein (p.Arg22Ser). The frequency data for this variant in the population databases is considered unreliable, as metrics indicate poor data quality at this position in the gnomAD database. This variant has not been reported in the literature in individuals affected with CLN5-related conditions. ClinVar contains an entry for this variant (Variation ID: 643424). Algorithms developed to predict the effect of missense changes on protein structure and function are either unavailable or do not agree on the potential impact of this missense change (SIFT: "Deleterious"; PolyPhen-2: "Possibly Damaging"; Align-GVGD: "Class C0"). In summary, the available evidence is currently insufficient to determine the role of this variant in disease. Therefore, it has been classified as a Variant of Uncertain Significance.

Natera, Inc.
Classification: Uncertain significance for Neuronal ceroid lipofuscinosis. Last evaluated: 2020-09-28. Review status: no assertion criteria provided. Collection method: clinical testing. Allele origin: germline. Not counted in ClinVar's aggregate classification.